The following is an entry in ClinVar:

NM_001042492.3(NF1):c.1469A>G (p.Lys490Arg)

Gene: NF1 (neurofibromin 1; plus strand). Cytogenetic location: 17q11.2.
Variant type: single nucleotide variant.
Coding change: c.1469A>G on transcript NM_001042492.3 (MANE Select); coding-DNA position 1469, A replaced by G.
Protein change: p.Lys490Arg; replaces lysine 490 with arginine.
Molecular consequence: missense variant.
Genome position (GRCh38, 1-based): chr17:31,214,527, A>G. VCF-style: chr17-31214527-A-G. GRCh37 (hg19) VCF-style: chr17-29541545-A-G.
Other names: c.1469A>G, p.Lys490Arg (NM_000267.4, NM_001128147.3); short protein forms K490R.
Identifiers: ClinVar variation 404440 (VCV000404440.8), dbSNP rs1060500260, ClinGen allele CA16615439.
Genomic context (GRCh38, chr17:31,214,527, plus strand): 5'-AAAAAGTAACAAGCCTTAAATTTAAAGAAAAACCTACAGACCTGGAGACAAGAAGCTATA[A>G]GTATCTTCTCTTGTCCATGGTGAAACTAATTCATGCAGATCCAAAGCTCTTGCTTTGTGT-3'
Protein context (NP_001035957.1, residues 480-500): KPTDLETRSY[Lys490Arg]YLLLSMVKLI

ClinVar aggregate classification (germline): Uncertain significance. Review status: criteria provided, multiple submitters, no conflicts (2 of 4 stars). 3 submissions from 3 submitters: Uncertain significance (3). Last evaluated 2024-02-27.

Conditions:
Hereditary cancer-predisposing syndrome. Also called: Tumor predisposition; Neoplastic Syndromes, Hereditary; Hereditary Cancer Syndrome; Hereditary neoplastic syndrome. Identifiers: Orphanet 140162, MedGen C0027672, MeSH D009386, MONDO:0015356.
Cardiovascular phenotype. Identifiers: MedGen CN230736.
Neurofibromatosis, type 1 (NF1). Also called: Neurofibromatosis, type I; NEUROFIBROMATOSIS, TYPE I, SOMATIC; Peripheral type neurofibromatosis; VON RECKLINGHAUSEN DISEASE. Identifiers: Orphanet 636, MedGen C0027831, MONDO:0018975, OMIM 162200. Disease mechanism: loss of function.

Allele frequency attached by ClinVar (database versions not stated): TOPMed below 0.00001.

Submissions (3):

GeneDx
Classification: Uncertain significance. Last evaluated: 2024-02-27. Review status: criteria provided, single submitter. Criteria: GeneDx Variant Classification Process June 2021. Collection method: clinical testing. Allele origin: germline. Affected: yes.
Comment: Not observed at significant frequency in large population cohorts (gnomAD); In silico analysis supports that this missense variant does not alter protein structure/function; Has not been previously published as pathogenic or benign to our knowledge

Labcorp Genetics (formerly Invitae), Labcorp
Classification: Uncertain significance for Neurofibromatosis, type 1. Last evaluated: 2024-02-07. Review status: criteria provided, single submitter. Criteria: Invitae Variant Classification Sherloc (09022015). Collection method: clinical testing. Allele origin: germline.
Comment: This sequence change replaces lysine, which is basic and polar, with arginine, which is basic and polar, at codon 490 of the NF1 protein (p.Lys490Arg). This variant is not present in population databases (gnomAD no frequency). This variant has not been reported in the literature in individuals affected with NF1-related conditions. ClinVar contains an entry for this variant (Variation ID: 404440). Advanced modeling of protein sequence and biophysical properties (such as structural, functional, and spatial information, amino acid conservation, physicochemical variation, residue mobility, and thermodynamic stability) has been performed at Invitae for this missense variant, however the output from this modeling did not meet the statistical confidence thresholds required to predict the impact of this variant on NF1 protein function. In summary, the available evidence is currently insufficient to determine the role of this variant in disease. Therefore, it has been classified as a Variant of Uncertain Significance.

Ambry Genetics
Classification: Uncertain significance for Cardiovascular phenotype; Hereditary cancer-predisposing syndrome. Last evaluated: 2023-01-03. Review status: criteria provided, single submitter. Criteria: Ambry Variant Classification Scheme 2023. Collection method: clinical testing. Allele origin: germline.
Comment: The p.K490R variant (also known as c.1469A>G), located in coding exon 13 of the NF1 gene, results from an A to G substitution at nucleotide position 1469. The lysine at codon 490 is replaced by arginine, an amino acid with highly similar properties. This amino acid position is conserved. In addition, this alteration is predicted to be tolerated by in silico analysis. Since supporting evidence is limited at this time, the clinical significance of this alteration remains unclear.